The following is an entry in ClinVar:

NM_000156.6(GAMT):c.298C>T (p.Arg100Trp)

Gene: GAMT (guanidinoacetate N-methyltransferase; minus strand). Cytogenetic location: 19p13.3.
Variant type: single nucleotide variant.
Coding change: c.298C>T on transcript NM_000156.6 (MANE Select); coding-DNA position 298, C replaced by T.
Protein change: p.Arg100Trp; replaces arginine 100 with tryptophan.
Molecular consequence: missense variant.
Genome position (GRCh38, 1-based): chr19:1,399,822, G>A on the plus strand (C>T on the coding strand, the complement: GAMT is on the minus strand). VCF-style: chr19-1399822-G-A. GRCh37 (hg19) VCF-style: chr19-1399821-G-A.
Other names: p.R100W:CGG>TGG; NM_000156.6(GAMT):c.298C>T; c.298C>T, p.Arg100Trp (NM_138924.3); short protein forms R100W.
Identifiers: ClinVar variation 205579 (VCV000205579.29), dbSNP rs552210450, ClinGen allele CA314802.

ClinVar aggregate classification (germline): Benign. Review status: reviewed by expert panel (3 of 4 stars). 8 submissions from 8 submitters: Benign (1). 7 of the submissions do not count toward it. Last evaluated 2025-03-18.

Conditions:
Inborn genetic diseases. Identifiers: MedGen C0950123, MeSH D030342.
Cerebral creatine deficiency syndrome. Also called: Creatine deficiency syndromes. Identifiers: Orphanet 79172, MedGen C5244016, MONDO:0000456.
Deficiency of guanidinoacetate methyltransferase (CCDS2). Also called: GAMT DEFICIENCY; CEREBRAL CREATINE DEFICIENCY SYNDROME 2; Guanidinoacetate Methyltransferase (GAMT) Deficiency. Identifiers: Orphanet 382, MedGen C0574080, MONDO:0012999, OMIM 612736.

Allele frequency attached by ClinVar (database versions not stated): TOPMed 0.00002; gnomAD 0.00003 and 0.00010; gnomAD exomes 0.00042; 1000 Genomes Project 0.00060; 1000 Genomes Project 30x 0.00062; ExAC 0.00096.
gnomAD v4.1: 296 of 1,580,118 alleles (0.019%); highest among the groups gnomAD compares: South Asian, 0.31%; 2 homozygotes.

Submissions (8):

ClinGen Cerebral Creatine Deficiency Syndromes Variant Curation Expert Panel, ClinGen
Classification: Benign for Deficiency of guanidinoacetate methyltransferase. Last evaluated: 2025-03-18. Review status: reviewed by expert panel. Criteria: ClinGen CCDS ACMG Specifications GAMT V2.0.0. Collection method: curation. Allele origin: germline. Inheritance: Autosomal recessive inheritance.
Comment: The NM_000156.6:c.298C>T variant in GAMT is a missense variant that is predicted to cause the substitution of an arginine by a tryptophan at amino acid position 100 (p.Arg100Trp). To our knowledge, this variant has not been reported among individuals with GAMT deficiency and results of functional studies are unavailable. The GrpMax filtering allele frequency (95th % confidence) in gnomAD v4.1.0. is 0.002776 in the South Asian population, which is higher than the ClinGen CCDS VCEP’s threshold for BS1 (>0.001), and therefore meets this criterion (BS1). There are 2 homozygotes in gnomAD v4.1.0. Because GAMT deficiency is a severe, pediatric-onset disorder, this data supports the benignity of the variant (BS2). The computational predictor REVEL gives a score of 0.331 which is neither above nor below the thresholds predicting a damaging (≥0.644) or benign (<0.29) impact on GAMT function. There is a ClinVar entry for this variant (Variation ID: 205579). In summary, this variant meets the criteria to be classified as benign for GAMT deficiency based on the ACMG/AMP criteria applied, as specified by the ClinGen Cerebral Creatine Deficiency Syndromes Variant Curation Expert Panel (Specifications Version 2.0.0): BS1, BS2. (Classification approved by the ClinGen Cerebral Creatine Deficiencies Variant Curation Expert Panel on March 18, 2025)

CeGaT Center for Human Genetics Tuebingen
Classification: Benign. Last evaluated: 2026-02-01. Review status: criteria provided, single submitter. Criteria: CeGaT Center For Human Genetics Tuebingen Variant Classification Criteria Version 2. Collection method: clinical testing. Allele origin: germline. Affected: yes. Observed: 1 variant allele. Not counted in ClinVar's aggregate classification.
Comment: GAMT: BS1, BS2

Labcorp Genetics (formerly Invitae), Labcorp
Classification: Likely benign for Cerebral creatine deficiency syndrome. Last evaluated: 2026-01-18. Review status: criteria provided, single submitter. Criteria: Invitae Variant Classification Sherloc (09022015). Collection method: clinical testing. Allele origin: germline. Not counted in ClinVar's aggregate classification.

Revvity Omics, Revvity
Classification: Uncertain significance for Deficiency of guanidinoacetate methyltransferase. Last evaluated: 2023-11-01. Review status: criteria provided, single submitter. Criteria: ACMG Guidelines, 2015. Collection method: clinical testing. Allele origin: germline. Not counted in ClinVar's aggregate classification.

GeneDx
Classification: Uncertain significance. Last evaluated: 2020-02-27. Review status: criteria provided, single submitter. Criteria: GeneDx Variant Classification Process June 2021. Collection method: clinical testing. Allele origin: germline. Affected: yes. Not counted in ClinVar's aggregate classification.
Comment: In silico analysis supports that this missense variant has a deleterious effect on protein structure/function; Has not been previously published as pathogenic or benign to our knowledge

Mayo Clinic Laboratories, Mayo Clinic
Classification: Uncertain significance. Last evaluated: 2019-05-06. Review status: criteria provided, single submitter. Criteria: ACMG Guidelines, 2015. Collection method: clinical testing. Allele origin: germline. Observed: 1 variant allele. Not counted in ClinVar's aggregate classification.

Ambry Genetics
Classification: Uncertain significance for Inborn genetic diseases. Last evaluated: 2017-06-12. Review status: criteria provided, single submitter. Criteria: Ambry Variant Classification Scheme 2023. Collection method: clinical testing. Allele origin: germline. Not counted in ClinVar's aggregate classification.
Comment: The p.R100W variant (also known as c.298C>T), located in coding exon 2 of the GAMT gene, results from a C to T substitution at nucleotide position 298. The arginine at codon 100 is replaced by tryptophan, an amino acid with dissimilar properties. This amino acid position is not well conserved in available vertebrate species. In addition, the in silico prediction for this alteration is inconclusive. Since supporting evidence is limited at this time, the clinical significance of this alteration remains unclear.

Natera, Inc.
Classification: Likely benign for Guanidinoacetate methyltransferase deficiency. Last evaluated: 2019-10-28. Review status: no assertion criteria provided. Collection method: clinical testing. Allele origin: germline. Not counted in ClinVar's aggregate classification.